The following is an entry in ClinVar:

NM_006922.4(SCN3A):c.5784C>A (p.Asn1928Lys)

Gene: SCN3A (sodium voltage-gated channel alpha subunit 3; minus strand). Cytogenetic location: 2q24.3.
Variant type: single nucleotide variant.
Coding change: c.5784C>A on transcript NM_006922.4 (MANE Select); coding-DNA position 5784, C replaced by A.
Protein change: p.Asn1928Lys; replaces asparagine 1928 with lysine.
Molecular consequence: missense variant.
Genome position (GRCh38, 1-based): chr2:165,090,369, G>T on the plus strand (C>A on the coding strand, the complement: SCN3A is on the minus strand). VCF-style: chr2-165090369-G-T. GRCh37 (hg19) VCF-style: chr2-165946879-G-T.
Other names: c.5637C>A, p.Asn1879Lys (NM_001081676.2, NM_001081677.2); short protein forms N1879K, N1928K.
Identifiers: ClinVar variation 1023400 (VCV001023400.8), dbSNP rs773793799, ClinGen allele CA1938356.

ClinVar aggregate classification (germline): Uncertain significance (1 of 4 stars; one submission).

Allele frequency attached by ClinVar (database versions not stated): TOPMed below 0.00001; gnomAD exomes 0.00002 and 0.00003; ExAC 0.00003.
gnomAD v4.1: 43 of 1,612,742 alleles (0.0027%); highest among the groups gnomAD compares: Non-Finnish European, 0.0031%; no homozygotes.

Submission:

Labcorp Genetics (formerly Invitae), Labcorp
Classification: Uncertain significance. Last evaluated: 2025-07-27. Review status: criteria provided, single submitter. Criteria: Invitae Variant Classification Sherloc (09022015). Collection method: clinical testing. Allele origin: germline.
Comment: This sequence change replaces asparagine, which is neutral and polar, with lysine, which is basic and polar, at codon 1928 of the SCN3A protein (p.Asn1928Lys). This variant is present in population databases (rs773793799, gnomAD 0.004%). This variant has not been reported in the literature in individuals affected with SCN3A-related conditions. ClinVar contains an entry for this variant (Variation ID: 1023400). Invitae Evidence Modeling of protein sequence and biophysical properties (such as structural, functional, and spatial information, amino acid conservation, physicochemical variation, residue mobility, and thermodynamic stability) indicates that this missense variant is not expected to disrupt SCN3A protein function with a negative predictive value of 95%. In summary, the available evidence is currently insufficient to determine the role of this variant in disease. Therefore, it has been classified as a Variant of Uncertain Significance.